The following is an entry in ClinVar:

ClinVar aggregate classification (germline): Uncertain significance (1 of 4 stars; one submission).

Conditions:
RASopathy. Also called: rasopathies; Noonan spectrum disorder. Identifiers: Orphanet 536391, MedGen C5555857, MONDO:0021060.

Allele frequency attached by ClinVar (database versions not stated): gnomAD exomes below 0.00001; gnomAD 0.00001.
gnomAD v4.1: 3 of 1,614,070 alleles (0.00019%); highest among the groups gnomAD compares: East Asian, 0.0045%; no homozygotes.

Submission:

Labcorp Genetics (formerly Invitae), Labcorp
Classification: Uncertain significance for RASopathy. Last evaluated: 2022-06-23. Review status: criteria provided, single submitter. Criteria: Invitae Variant Classification Sherloc (09022015). Collection method: clinical testing. Allele origin: germline.
Comment: This sequence change replaces proline, which is neutral and non-polar, with leucine, which is neutral and non-polar, at codon 780 of the CBL protein (p.Pro780Leu). This variant is present in population databases (no rsID available, gnomAD 0.06%). This variant has not been reported in the literature in individuals affected with CBL-related conditions. Advanced modeling of protein sequence and biophysical properties (such as structural, functional, and spatial information, amino acid conservation, physicochemical variation, residue mobility, and thermodynamic stability) performed at Invitae indicates that this missense variant is not expected to disrupt CBL protein function. In summary, the available evidence is currently insufficient to determine the role of this variant in disease. Therefore, it has been classified as a Variant of Uncertain Significance.

NM_005188.4(CBL):c.2339C>T (p.Pro780Leu)

Gene: CBL (Cbl proto-oncogene; plus strand). Cytogenetic location: 11q23.3.
Variant type: single nucleotide variant.
Coding change: c.2339C>T on transcript NM_005188.4 (MANE Select); coding-DNA position 2339, C replaced by T.
Protein change: p.Pro780Leu; replaces proline 780 with leucine.
Molecular consequence: missense variant.
Genome position (GRCh38, 1-based): chr11:119,298,445, C>T. VCF-style: chr11-119298445-C-T. GRCh37 (hg19) VCF-style: chr11-119169155-C-T.
Other names: short protein forms P780L.
Identifiers: ClinVar variation 1436444 (VCV001436444.6), dbSNP rs1401610037, ClinGen allele CA382929541.